The following is an entry in ClinVar:

NM_000548.5(TSC2):c.4903T>C (p.Cys1635Arg)

Gene: TSC2 (TSC complex subunit 2; plus strand). Cytogenetic location: 16p13.3.
Variant type: single nucleotide variant.
Coding change: c.4903T>C on transcript NM_000548.5 (MANE Select); coding-DNA position 4903, T replaced by C.
Protein change: p.Cys1635Arg; replaces cysteine 1635 with arginine.
Molecular consequence: missense variant. On other transcripts: non-coding transcript variant (5).
Genome position (GRCh38, 1-based): chr16:2,086,785, T>C. VCF-style: chr16-2086785-T-C. GRCh37 (hg19) VCF-style: chr16-2136786-T-C.
Other names: c.4702T>C, p.Cys1568Arg (NM_001077183.3); c.4834T>C, p.Cys1612Arg (NM_001114382.3); c.4594T>C, p.Cys1532Arg (NM_001318827.2); c.4558T>C, p.Cys1520Arg (NM_001318829.2); c.4171T>C, p.Cys1391Arg (NM_001318831.2); c.4735T>C, p.Cys1579Arg (NM_001318832.2); c.4705T>C, p.Cys1569Arg (NM_001363528.2); c.4687T>C, p.Cys1563Arg (NM_001406675.1); and 26 more; short protein forms C1034R, C1120R, C1121R, C1143R, C1144R, C1164R, C1368R, C1369R.
Identifiers: ClinVar variation 3605889 (VCV003605889.2).

ClinVar aggregate classification (germline): Uncertain significance (1 of 4 stars; one submission).

Conditions:
Tuberous sclerosis 2 (TSC2). Identifiers: Orphanet 805, MedGen C1860707, MONDO:0013199, OMIM 613254.

Submission:

Labcorp Genetics (formerly Invitae), Labcorp
Classification: Uncertain significance for Tuberous sclerosis 2. Last evaluated: 2025-09-16. Review status: criteria provided, single submitter. Criteria: Invitae Variant Classification Sherloc (09022015). Collection method: clinical testing. Allele origin: germline.
Comment: This sequence change replaces cysteine, which is neutral and slightly polar, with arginine, which is basic and polar, at codon 1635 of the TSC2 protein (p.Cys1635Arg). This variant is not present in population databases (gnomAD no frequency). This variant has not been reported in the literature in individuals affected with TSC2-related conditions. ClinVar contains an entry for this variant (Variation ID: 3605889). Invitae Evidence Modeling of protein sequence and biophysical properties (such as structural, functional, and spatial information, amino acid conservation, physicochemical variation, residue mobility, and thermodynamic stability) indicates that this missense variant is not expected to disrupt TSC2 protein function with a negative predictive value of 95%. In summary, the available evidence is currently insufficient to determine the role of this variant in disease. Therefore, it has been classified as a Variant of Uncertain Significance.